The following is an entry in ClinVar:

NM_001134407.3(GRIN2A):c.3228C>G (p.Asn1076Lys)

Gene: GRIN2A (glutamate ionotropic receptor NMDA type subunit 2A; minus strand). Cytogenetic location: 16p13.2.
Variant type: single nucleotide variant.
Coding change: c.3228C>G on transcript NM_001134407.3 (MANE Select); coding-DNA position 3228, C replaced by G.
Protein change: p.Asn1076Lys; replaces asparagine 1076 with lysine.
Molecular consequence: missense variant.
Genome position (GRCh38, 1-based): chr16:9,764,316, G>C on the plus strand (C>G on the coding strand, the complement: GRIN2A is on the minus strand). VCF-style: chr16-9764316-G-C. GRCh37 (hg19) VCF-style: chr16-9858173-G-C.
Other names: c.3228C>G, p.Asn1076Lys (NM_000833.5, NM_001134408.2); short protein forms N1076K.
Identifiers: ClinVar variation 3633983 (VCV003633983.3).

ClinVar aggregate classification (germline): Uncertain significance. Review status: criteria provided, multiple submitters, no conflicts (2 of 4 stars). 2 submissions from 2 submitters: Uncertain significance (2). Last evaluated 2026-03-09.

Conditions:
Landau-Kleffner syndrome (FESD). Also called: EPILEPSY, FOCAL, WITH SPEECH DISORDER AND WITH OR WITHOUT MENTAL RETARDATION; APHASIA, ACQUIRED, WITH EPILEPSY. Identifiers: Orphanet 1945, Orphanet 725, Orphanet 98818, MedGen C0282512, MONDO:0009509, OMIM 245570.

gnomAD v4.1: 6 of 1,614,122 alleles (0.00037%); highest among the groups gnomAD compares: Non-Finnish European, 0.00051%; no homozygotes.

Submissions (2):

Women's Health and Genetics/Laboratory Corporation of America, LabCorp
Classification: Uncertain significance. Last evaluated: 2026-03-09. Review status: criteria provided, single submitter. Criteria: LabCorp Variant Classification Summary - May 2015. Collection method: clinical testing. Allele origin: germline.
Comment: Variant summary: GRIN2A c.3228C>G (p.Asn1076Lys) results in a non-conservative amino acid change in the encoded protein sequence. Algorithms developed to predict the effect of missense changes on protein structure and function are either unavailable or do not agree on the potential impact of this missense change. The variant allele was found at a frequency of 8e-06 in 251398 control chromosomes. The available data on variant occurrences in the general population are insufficient to allow any conclusion about variant significance. c.3228C>G has been observed in individual(s) affected with SUDEP (Sudden unexpected death in Epilepsy) (Coll_2017), without evidence for causality. These report(s) do not provide unequivocal conclusions about association of the variant with Epilepsy, Focal, With Speech Disorder And With Or Without Mental Retardation. To our knowledge, no experimental evidence demonstrating an impact on protein function has been reported. The following publication have been ascertained in the context of this evaluation (PMID: 29261713). ClinVar contains an entry for this variant (Variation ID: 3633983). Based on the evidence outlined above, the variant was classified as uncertain significance.

Labcorp Genetics (formerly Invitae), Labcorp
Classification: Uncertain significance for Landau-Kleffner syndrome. Last evaluated: 2024-03-01. Review status: criteria provided, single submitter. Criteria: Invitae Variant Classification Sherloc (09022015). Collection method: clinical testing. Allele origin: germline.
Comment: This sequence change replaces asparagine, which is neutral and polar, with lysine, which is basic and polar, at codon 1076 of the GRIN2A protein (p.Asn1076Lys). This variant is present in population databases (rs61758995, gnomAD 0.0009%). This missense change has been observed in individual(s) with SUDEP (sudden unexpected death in epilepsy) (PMID: 29261713). Advanced modeling of protein sequence and biophysical properties (such as structural, functional, and spatial information, amino acid conservation, physicochemical variation, residue mobility, and thermodynamic stability) performed at Invitae indicates that this missense variant is not expected to disrupt GRIN2A protein function with a negative predictive value of 95%. In summary, the available evidence is currently insufficient to determine the role of this variant in disease. Therefore, it has been classified as a Variant of Uncertain Significance.

Literature cited by the submitters: PubMed 29261713 (cited by Women's Health and Genetics/Laboratory Corporation of America, LabCorp and Labcorp Genetics (formerly Invitae), Labcorp).